The following is an entry in ClinVar:

NM_000944.5(PPP3CA):c.1005C>G (p.Asn335Lys)

Gene: PPP3CA (protein phosphatase 3 catalytic subunit alpha; minus strand). Cytogenetic location: 4q24.
Variant type: single nucleotide variant.
Coding change: c.1005C>G on transcript NM_000944.5 (MANE Select); coding-DNA position 1005, C replaced by G.
Protein change: p.Asn335Lys; replaces asparagine 335 with lysine.
Molecular consequence: missense variant. On other transcripts: intron variant (1).
Genome position (GRCh38, 1-based): chr4:101,063,308, G>C on the plus strand (C>G on the coding strand, the complement: PPP3CA is on the minus strand). VCF-style: chr4-101063308-G-C. GRCh37 (hg19) VCF-style: chr4-101984465-G-C.
Other names: c.1005C>G, p.Asn335Lys (NM_001130691.2); c.956-2147C>G (NM_001130692.2); short protein forms N335K.
Identifiers: ClinVar variation 1800923 (VCV001800923.1), dbSNP rs2476262817, ClinGen allele CA357948931.

ClinVar aggregate classification (germline): Uncertain significance (1 of 4 stars; one submission).

Submission:

GeneDx
Classification: Uncertain significance. Last evaluated: 2022-05-25. Review status: criteria provided, single submitter. Criteria: GeneDx Variant Classification Process June 2021. Collection method: clinical testing. Allele origin: germline. Affected: yes.
Comment: Not observed at significant frequency in large population cohorts (gnomAD); In silico analysis supports that this missense variant has a deleterious effect on protein structure/function; Has not been previously published as pathogenic or benign to our knowledge